The following is an entry in ClinVar:

NM_001371986.1(UNC80):c.8143G>T (p.Val2715Leu)

Gene: UNC80 (unc-80 subunit of NALCN channel complex; plus strand). Cytogenetic location: 2q34.
Variant type: single nucleotide variant.
Coding change: c.8143G>T on transcript NM_001371986.1 (MANE Select); coding-DNA position 8143, G replaced by T.
Protein change: p.Val2715Leu; replaces valine 2715 with leucine.
Molecular consequence: missense variant.
Genome position (GRCh38, 1-based): chr2:209,970,844, G>T. VCF-style: chr2-209970844-G-T. GRCh37 (hg19) VCF-style: chr2-210835568-G-T.
Other names: c.7945G>T, p.Val2649Leu (NM_032504.2); c.7930G>T, p.Val2644Leu (NM_182587.4); short protein forms V2644L, V2649L, V2715L.
Identifiers: ClinVar variation 1897653 (VCV001897653.5), dbSNP rs965037524, ClinGen allele CA64656838.
Genomic context (GRCh38, chr2:209,970,844, plus strand): 5'-TGAAATTGCAATAGTCAAGGCTGGTCATGTGCTCTGTTTGTATTTCAGGTGATGGGAGTG[G>T]TAGGACCTTCCAGTGTTGCTGATGGATTACCCCTTCTTCATCTCAGCCCTTATCTCTCAC-3'
Protein context (NP_001358915.1, residues 2705-2725): NVCVNLVMGV[Val2715Leu]GPSSVADGLP

ClinVar aggregate classification (germline): Uncertain significance (1 of 4 stars; one submission).

Submission:

Labcorp Genetics (formerly Invitae), Labcorp
Classification: Uncertain significance. Last evaluated: 2022-03-04. Review status: criteria provided, single submitter. Criteria: Invitae Variant Classification Sherloc (09022015). Collection method: clinical testing. Allele origin: germline.
Comment: In summary, the available evidence is currently insufficient to determine the role of this variant in disease. Therefore, it has been classified as a Variant of Uncertain Significance. Algorithms developed to predict the effect of missense changes on protein structure and function are either unavailable or do not agree on the potential impact of this missense change (SIFT: "Not Available"; PolyPhen-2: "Benign"; Align-GVGD: "Not Available"). This variant has not been reported in the literature in individuals affected with UNC80-related conditions. This variant is not present in population databases (gnomAD no frequency). This sequence change replaces valine, which is neutral and non-polar, with leucine, which is neutral and non-polar, at codon 2649 of the UNC80 protein (p.Val2649Leu).